The following is an entry in ClinVar:

ClinVar aggregate classification (germline): Uncertain significance. Review status: criteria provided, multiple submitters, no conflicts (2 of 4 stars). 3 submissions from 3 submitters: Uncertain significance (3). Last evaluated 2024-10-31.

Conditions:
Spastic paraplegia. Identifiers: MedGen C0037772, HP:0001258.
Hereditary spastic paraplegia. Also called: Familial spastic paraparesis. Identifiers: Orphanet 685, MedGen C0037773, MONDO:0019064. Disease mechanism: loss of function.

Allele frequency attached by ClinVar (database versions not stated): gnomAD 0.00005 and 0.00006; TOPMed 0.00005; gnomAD exomes 0.00006; ESP Exome Variant Server 0.00008; ExAC 0.00014.
gnomAD v4.1: 98 of 1,606,910 alleles (0.0061%); highest among the groups gnomAD compares: Non-Finnish European, 0.0077%; no homozygotes.

Submissions (3):

GeneDx
Classification: Uncertain significance. Last evaluated: 2024-10-31. Review status: criteria provided, single submitter. Criteria: GeneDx Variant Classification Process June 2021. Collection method: clinical testing. Allele origin: germline. Affected: yes.
Comment: Not observed at significant frequency in large population cohorts (gnomAD); In silico analysis indicates that this missense variant does not alter protein structure/function; In silico analysis is inconclusive as to whether the variant alters gene splicing. In the absence of RNA/functional studies, the actual effect of this sequence change is unknown.; Has not been previously published as pathogenic or benign to our knowledge

Labcorp Genetics (formerly Invitae), Labcorp
Classification: Uncertain significance for Spastic paraplegia. Last evaluated: 2022-07-30. Review status: criteria provided, single submitter. Criteria: Invitae Variant Classification Sherloc (09022015). Collection method: clinical testing. Allele origin: germline.
Comment: This sequence change replaces glycine, which is neutral and non-polar, with serine, which is neutral and polar, at codon 1774 of the ZFYVE26 protein (p.Gly1774Ser). This variant is present in population databases (rs372819280, gnomAD 0.01%). This variant has not been reported in the literature in individuals affected with ZFYVE26-related conditions. ClinVar contains an entry for this variant (Variation ID: 1344203). Algorithms developed to predict the effect of missense changes on protein structure and function are either unavailable or do not agree on the potential impact of this missense change (SIFT: "Tolerated"; PolyPhen-2: "Possibly Damaging"; Align-GVGD: "Class C0"). Algorithms developed to predict the effect of sequence changes on RNA splicing suggest that this variant may disrupt the consensus splice site. In summary, the available evidence is currently insufficient to determine the role of this variant in disease. Therefore, it has been classified as a Variant of Uncertain Significance.

Genome Diagnostics Laboratory, The Hospital for Sick Children
Classification: Uncertain significance for Hereditary spastic paraplegia. Last evaluated: 2016-12-12. Review status: criteria provided, single submitter. Criteria: ACMG Guidelines, 2015. Collection method: clinical testing. Allele origin: germline. Affected: yes.

NM_015346.4(ZFYVE26):c.5320G>A (p.Gly1774Ser)

Gene: ZFYVE26 (zinc finger FYVE-type containing 26; minus strand). Cytogenetic location: 14q24.1.
Variant type: single nucleotide variant.
Coding change: c.5320G>A on transcript NM_015346.4 (MANE Select); coding-DNA position 5320, G replaced by A.
Protein change: p.Gly1774Ser; replaces glycine 1774 with serine.
Molecular consequence: missense variant.
Genome position (GRCh38, 1-based): chr14:67,775,016, C>T on the plus strand (G>A on the coding strand, the complement: ZFYVE26 is on the minus strand). VCF-style: chr14-67775016-C-T. GRCh37 (hg19) VCF-style: chr14-68241733-C-T.
Other names: short protein forms G1774S.
Identifiers: ClinVar variation 1344203 (VCV001344203.6), dbSNP rs372819280, ClinGen allele CA7239539.